The following is an entry in ClinVar:

NM_001009944.3(PKD1):c.4218_4228del (p.Phe1408fs)

Gene: PKD1 (polycystin 1, transient receptor potential channel interacting; minus strand). Cytogenetic location: 16p13.3.
Variant type: Deletion.
Coding change: c.4218_4228del on transcript NM_001009944.3 (MANE Select); coding-DNA positions 4218 to 4228, 11 bases deleted (CCCGTTCCCCT).
Protein change: p.Phe1408fs; shifts the reading frame from phenylalanine 1408.
Molecular consequence: frameshift variant.
Genome position (GRCh38, 1-based): chr16:2,110,939-2,110,949, AGGGGAACGGG deleted on the plus strand (CCCGTTCCCCT on the coding strand, the reverse complement: PKD1 is on the minus strand). VCF-style (leftmost placement, unchanged base first): chr16-2110938-TAGGGGAACGGG-T. GRCh37 (hg19) VCF-style: chr16-2160939-TAGGGGAACGGG-T.
Other names: c.4218_4228del, p.Phe1408fs (NM_000296.4); short protein forms F1408fs.
Identifiers: ClinVar variation 4531570 (VCV004531570.1).
Genomic context (GRCh38, chr16:2,110,938, plus strand): 5'-TCAGGGCCCCTGGCACGGGTGGGGGCGGCTTCCTCGGTGCCAAAGTCCCAGGTGTAGCGG[TAGGGGAACGGG>T]GGCCAGGCACATGCCACCAGCCAGGCCTCGTCCCCGAGCTGCACAAACTGCCTCTCTGGC-3'

ClinVar aggregate classification (germline): Pathogenic (1 of 4 stars; one submission).

Conditions:
Polycystic kidney disease, adult type (PKD1). Also called: Polycystic Kidney, Autosomal Dominant; POLYCYSTIC KIDNEY DISEASE, ADULT, TYPE I; Polycystic Kidney Disease 1, Autosomal Dominant; Polycystic kidney disease 1; Polycystic kidney disease 1, severe; POLYCYSTIC KIDNEY DISEASE 1 WITH OR WITHOUT POLYCYSTIC LIVER DISEASE. Identifiers: MedGen C3149841, MONDO:0008263, OMIM 173900.

Submission:

Victorian Clinical Genetics Services, Murdoch Childrens Research Institute
Classification: Pathogenic for Polycystic kidney disease, adult type. Last evaluated: 2025-06-17. Review status: criteria provided, single submitter. Criteria: ACMG Guidelines, 2015. Collection method: clinical testing. Allele origin: germline. Affected: yes.
Comment: This variant is classified as Pathogenic. Evidence in support of pathogenic classification: Variant is predicted to cause nonsense-mediated decay (NMD) and loss of protein (premature termination codon is located at least 54 nucleotides upstream of the final exon-exon junction); Variant is absent from gnomAD (v2, v3 and v4); Other NMD predicted variants comparable to the one identified in this case have very strong previous evidence for pathogenicity (DECIPHER). Additional information: This variant is heterozygous; This gene is associated with autosomal dominant disease. Polycystic kidney disease 1 (MIM#173900) is predominantly caused by monoallelic variants, with rare reports of biallelic variants causing disease (OMIM); This variant has no previous evidence of pathogenicity; No published segregation evidence has been identified for this variant; No published functional evidence has been identified for this variant; Loss of function is a known mechanism of disease in this gene and is associated with polycystic kidney disease 1 (MIM#173900); Inheritance information for this variant is not currently available in this individual.